The following is an entry in ClinVar:

NM_000535.7(PMS2):c.1984G>C (p.Asp662His)

Gene: PMS2 (PMS1 homolog 2, mismatch repair system component; minus strand). Cytogenetic location: 7p22.1.
Variant type: single nucleotide variant.
Coding change: c.1984G>C on transcript NM_000535.7 (MANE Select); coding-DNA position 1984, G replaced by C.
Protein change: p.Asp662His; replaces aspartic acid 662 with histidine.
Molecular consequence: missense variant. On other transcripts: non-coding transcript variant (1).
Genome position (GRCh38, 1-based): chr7:5,986,781, C>G on the plus strand (G>C on the coding strand, the complement: PMS2 is on the minus strand). VCF-style: chr7-5986781-C-G. GRCh37 (hg19) VCF-style: chr7-6026412-C-G.
Other names: c.1579G>C, p.Asp527His (NM_001322003.2, NM_001322004.2, NM_001322005.2 and 1 more transcripts); c.1828G>C, p.Asp610His (NM_001322006.2); c.1666G>C, p.Asp556His (NM_001322007.2, NM_001322008.2); c.1423G>C, p.Asp475His (NM_001322010.2); c.1051G>C, p.Asp351His (NM_001322011.2, NM_001322012.2); c.1411G>C, p.Asp471His (NM_001322013.2); c.1984G>C, p.Asp662His (NM_001322014.2); c.1675G>C, p.Asp559His (NM_001322015.2); and 1 more; short protein forms D662H, D351H, D559H, D556H, D475H, D471H, D527H, D610H.
Identifiers: ClinVar variation 630920 (VCV000630920.7), dbSNP rs1562625087, ClinGen allele CA366738956.

ClinVar aggregate classification (germline): Uncertain significance. Review status: criteria provided, multiple submitters, no conflicts (2 of 4 stars). 2 submissions from 2 submitters: Uncertain significance (2). Last evaluated 2023-12-05.

Conditions:
Hereditary cancer-predisposing syndrome. Also called: Tumor predisposition; Neoplastic Syndromes, Hereditary; Hereditary neoplastic syndrome; Hereditary Cancer Syndrome. Identifiers: Orphanet 140162, MedGen C0027672, MeSH D009386, MONDO:0015356.

Submissions (2):

Color Diagnostics, LLC DBA Color Health
Classification: Uncertain significance for Hereditary cancer-predisposing syndrome. Last evaluated: 2023-12-05. Review status: criteria provided, single submitter. Criteria: ACMG Guidelines, 2015. Collection method: clinical testing. Allele origin: germline.
Comment: This missense variant replaces aspartic acid with histidine at codon 662 of the PMS2 protein. Computational prediction suggests that this variant may not impact protein structure and function (internally defined REVEL score threshold <= 0.5, PMID: 27666373). To our knowledge, functional studies have not been reported for this variant. This variant has not been reported in individuals affected with PMS2-related disorders in the literature. This variant has not been identified in the general population by the Genome Aggregation Database (gnomAD). The available evidence is insufficient to determine the role of this variant in disease conclusively. Therefore, this variant is classified as a Variant of Uncertain Significance.

Ambry Genetics
Classification: Uncertain significance for Hereditary cancer-predisposing syndrome. Last evaluated: 2023-05-08. Review status: criteria provided, single submitter. Criteria: Ambry Variant Classification Scheme 2023. Collection method: clinical testing. Allele origin: germline.
Comment: The p.D662H variant (also known as c.1984G>C), located in coding exon 11 of the PMS2 gene, results from a G to C substitution at nucleotide position 1984. The aspartic acid at codon 662 is replaced by histidine, an amino acid with similar properties. This amino acid position is conserved. In addition, this alteration is predicted to be tolerated by in silico analysis. Since supporting evidence is limited at this time, the clinical significance of this alteration remains unclear.